The following is an entry in ClinVar:

ClinVar aggregate classification (germline): Benign/Likely benign. Review status: criteria provided, multiple submitters, no conflicts (2 of 4 stars). 9 submissions from 8 submitters: Benign (5); Likely benign (4). Last evaluated 2026-02-01.

Conditions:
Adams-Oliver syndrome 5 (AOS5). Identifiers: Orphanet 974, MedGen C4014970, MONDO:0014459, OMIM 616028.
Familial thoracic aortic aneurysm and aortic dissection (TAAD). Also called: Thoracic aortic aneurysms and dissections. Identifiers: Orphanet 91387, MedGen C4707243, MONDO:0019625.
Aortic valve disease 1 (AOVD1). Identifiers: MedGen C3887892, MONDO:0024523, OMIM 109730.

Allele frequency attached by ClinVar (database versions not stated): gnomAD exomes 0.00019 and 0.00045; ExAC 0.00053; ESP Exome Variant Server 0.00179; gnomAD 0.00193 and 0.00207; TOPMed 0.00212; 1000 Genomes Project 30x 0.00234; 1000 Genomes Project 0.00260.

Submissions (9):

Labcorp Genetics (formerly Invitae), Labcorp
Classification: Benign for Adams-Oliver syndrome 5. Last evaluated: 2026-02-01. Review status: criteria provided, single submitter. Criteria: Invitae Variant Classification Sherloc (09022015). Collection method: clinical testing. Allele origin: germline.

ARUP Laboratories, Molecular Genetics and Genomics, ARUP Laboratories
Classification: Likely benign. Last evaluated: 2025-06-16. Review status: criteria provided, single submitter. Criteria: ARUP Molecular Germline Variant Investigation Process 2024. Collection method: clinical testing. Allele origin: germline.

Blueprint Genetics
Classification: Likely benign. Last evaluated: 2024-11-11. Review status: criteria provided, single submitter. Criteria: ACMG Guidelines, 2015. Collection method: clinical testing. Allele origin: germline.

Women's Health and Genetics/Laboratory Corporation of America, LabCorp
Classification: Benign. Last evaluated: 2023-07-21. Review status: criteria provided, single submitter. Criteria: LabCorp Variant Classification Summary - May 2015. Collection method: clinical testing. Allele origin: germline.

Genome-Nilou Lab
Classification: Benign for Adams-Oliver syndrome 5. Last evaluated: 2022-03-15. Review status: criteria provided, single submitter. Criteria: ACMG Guidelines, 2015. Collection method: clinical testing. Allele origin: germline. Affected: no.

Genome-Nilou Lab
Classification: Benign for Aortic valve disease 1. Last evaluated: 2022-03-15. Review status: criteria provided, single submitter. Criteria: ACMG Guidelines, 2015. Collection method: clinical testing. Allele origin: germline. Affected: no.

GeneDx
Classification: Benign. Last evaluated: 2017-04-20. Review status: criteria provided, single submitter. Criteria: GeneDx Variant Classification (06012015). Collection method: clinical testing. Allele origin: germline. Affected: yes.
Comment: This variant is considered likely benign or benign based on one or more of the following criteria: it is a conservative change, it occurs at a poorly conserved position in the protein, it is predicted to be benign by multiple in silico algorithms, and/or has population frequency not consistent with disease.

Ambry Genetics
Classification: Likely benign for Familial thoracic aortic aneurysm and aortic dissection. Last evaluated: 2016-04-26. Review status: criteria provided, single submitter. Criteria: Ambry Variant Classification Scheme 2023. Collection method: clinical testing. Allele origin: germline.

Breakthrough Genomics
Classification: Likely benign. Review status: criteria provided, single submitter. Criteria: ACMG Guidelines, 2015. Collection method: not provided. Allele origin: germline. Inheritance: Autosomal dominant inheritance. Affected: yes.

Literature cited by the submitters: PubMed 24943832 (cited by Women's Health and Genetics/Laboratory Corporation of America, LabCorp); PubMed 16614245 (cited by Women's Health and Genetics/Laboratory Corporation of America, LabCorp); PubMed 21670202 (cited by Women's Health and Genetics/Laboratory Corporation of America, LabCorp); PubMed 22210878 (cited by Women's Health and Genetics/Laboratory Corporation of America, LabCorp); PubMed 19635999 (cited by Women's Health and Genetics/Laboratory Corporation of America, LabCorp); PubMed 26837699 (cited by Women's Health and Genetics/Laboratory Corporation of America, LabCorp); PubMed 23086750 (cited by Women's Health and Genetics/Laboratory Corporation of America, LabCorp); PubMed 19245433 (cited by Women's Health and Genetics/Laboratory Corporation of America, LabCorp); PubMed 22077063 (cited by Women's Health and Genetics/Laboratory Corporation of America, LabCorp); PubMed 15472075 (cited by Women's Health and Genetics/Laboratory Corporation of America, LabCorp); PubMed 23734977 (cited by Women's Health and Genetics/Laboratory Corporation of America, LabCorp); PubMed 22858860 (cited by Women's Health and Genetics/Laboratory Corporation of America, LabCorp).

NM_017617.5(NOTCH1):c.4626C>T (p.Asp1542=)

Gene: NOTCH1 (notch receptor 1; minus strand). Cytogenetic location: 9q34.3.
Variant type: single nucleotide variant.
Coding change: c.4626C>T on transcript NM_017617.5 (MANE Select); coding-DNA position 4626, C replaced by T.
Protein change: p.Asp1542=; no amino-acid change (aspartic acid 1542 retained).
Molecular consequence: synonymous variant.
Genome position (GRCh38, 1-based): chr9:136,505,065, G>A on the plus strand (C>T on the coding strand, the complement: NOTCH1 is on the minus strand). VCF-style: chr9-136505065-G-A. GRCh37 (hg19) VCF-style: chr9-139399517-G-A.
Other names: c.4626C>T, p.Asp1542= (LRG_1122t1); c.4626C>T (NM_017617.4).
Identifiers: ClinVar variation 264538 (VCV000264538.21), dbSNP rs142375989, ClinGen allele CA5340551.